The following is an entry in ClinVar:

ClinVar aggregate classification (germline): Uncertain significance. Review status: criteria provided, multiple submitters, no conflicts (2 of 4 stars). 3 submissions from 3 submitters: Uncertain significance (3). Last evaluated 2026-01-01.

Conditions:
Intellectual disability. Also called: Intellectual developmental disorder; intellectual disabilities; Intellectual functioning disability. Identifiers: MedGen C3714756, MeSH D008607, MONDO:0001071, HP:0001249.
Charcot-Marie-Tooth disease axonal type 2O. Also called: Charcot-Marie-Tooth Neuropathy Type 2O; Charcot-Marie-Tooth disease, axonal, type 20; CHARCOT-MARIE-TOOTH DISEASE, AXONAL, AUTOSOMAL DOMINANT, TYPE 2O; CHARCOT-MARIE-TOOTH NEUROPATHY, AXONAL, TYPE 2O. Identifiers: Orphanet 284232, MedGen C3280220, MONDO:0013644, OMIM 614228.

Allele frequency attached by ClinVar (database versions not stated): gnomAD 0.00001; 1000 Genomes Project 30x 0.00016.
gnomAD v4.1: 4 of 1,614,176 alleles (0.00025%); highest among the groups gnomAD compares: East Asian, 0.0022%; no homozygotes.

Submissions (3):

CeGaT Center for Human Genetics Tuebingen
Classification: Uncertain significance. Last evaluated: 2026-01-01. Review status: criteria provided, single submitter. Criteria: CeGaT Center For Human Genetics Tuebingen Variant Classification Criteria Version 2. Collection method: clinical testing. Allele origin: germline. Affected: yes. Observed: 1 variant allele.

Labcorp Genetics (formerly Invitae), Labcorp
Classification: Uncertain significance for Charcot-Marie-Tooth disease axonal type 2O. Last evaluated: 2025-04-01. Review status: criteria provided, single submitter. Criteria: Invitae Variant Classification Sherloc (09022015). Collection method: clinical testing. Allele origin: germline.
Comment: This sequence change replaces phenylalanine, which is neutral and non-polar, with serine, which is neutral and polar, at codon 3957 of the DYNC1H1 protein (p.Phe3957Ser). This variant is not present in population databases (gnomAD no frequency). This variant has not been reported in the literature in individuals affected with DYNC1H1-related conditions. ClinVar contains an entry for this variant (Variation ID: 981306). Invitae Evidence Modeling of protein sequence and biophysical properties (such as structural, functional, and spatial information, amino acid conservation, physicochemical variation, residue mobility, and thermodynamic stability) indicates that this missense variant is not expected to disrupt DYNC1H1 protein function with a negative predictive value of 95%. In summary, the available evidence is currently insufficient to determine the role of this variant in disease. Therefore, it has been classified as a Variant of Uncertain Significance.

Diagnostic Laboratory, Strasbourg University Hospital
Classification: Uncertain significance for Intellectual disability. Last evaluated: 2020-09-10. Review status: criteria provided, single submitter. Criteria: ACMG Guidelines, 2015. Collection method: clinical testing. Allele origin: paternal. Affected: yes. Observed: 1 heterozygote.

NM_001376.5(DYNC1H1):c.11870T>C (p.Phe3957Ser)

Gene: DYNC1H1 (dynein cytoplasmic 1 heavy chain 1; plus strand). Cytogenetic location: 14q32.31.
Variant type: single nucleotide variant.
Coding change: c.11870T>C on transcript NM_001376.5 (MANE Select); coding-DNA position 11870, T replaced by C.
Protein change: p.Phe3957Ser; replaces phenylalanine 3957 with serine.
Molecular consequence: missense variant.
Genome position (GRCh38, 1-based): chr14:102,040,602, T>C. VCF-style: chr14-102040602-T-C. GRCh37 (hg19) VCF-style: chr14-102506939-T-C.
Other names: short protein forms F3957S.
Identifiers: ClinVar variation 981306 (VCV000981306.10), dbSNP rs2048637475, ClinGen allele CA391037192.
Genomic context (GRCh38, chr14:102,040,602, plus strand): 5'-GTTCTGCCCCAGAGGCCAGCCCTGCTCCATGGGTGCTTCCACTATTGTCTCCACAGCAAT[T>C]TGGCATCTGGCTGGACAGCAGCTCCCCGGAGCAGACTGTGCCCTACCTCTGGAGTGAAGA-3'
Protein context (NP_001367.2, residues 3947-3967): LIAKVQADEQ[Phe3957Ser]GIWLDSSSPE